The following is an entry in ClinVar:

NM_021930.6(RINT1):c.794G>A (p.Ser265Asn)

Gene: RINT1 (RAD50 interactor 1; plus strand). Cytogenetic location: 7q22.3.
Variant type: single nucleotide variant.
Coding change: c.794G>A on transcript NM_021930.6 (MANE Select); coding-DNA position 794, G replaced by A.
Protein change: p.Ser265Asn; replaces serine 265 with asparagine.
Molecular consequence: missense variant. On other transcripts: 5 prime UTR variant (2), non-coding transcript variant (1), intron variant (1).
Genome position (GRCh38, 1-based): chr7:105,547,288, G>A. VCF-style: chr7-105547288-G-A. GRCh37 (hg19) VCF-style: chr7-105187735-G-A.
Other names: c.560G>A, p.Ser187Asn (NM_001346599.2); c.-226G>A (NM_001346600.2); c.-129G>A (NM_001346601.2); c.-27-2767G>A (NM_001346603.2); short protein forms S265N, S187N.
Identifiers: ClinVar variation 2448432 (VCV002448432.2), dbSNP rs1409521142, ClinGen allele CA368806395.
Genomic context (GRCh38, chr7:105,547,288, plus strand): 5'-CACCCCCTCAATCACAAACTGTTGGCTTAAGTCGACCTGCCAGTGCCCCGGAGATATACA[G>A]TTACCTGGAGACACTGTTTTGTCAGCTTTTGAAACTACAAACCTCGTATCTTTGTTGCAG-3'
Protein context (NP_068749.3, residues 255-275): SRPASAPEIY[Ser265Asn]YLETLFCQLL

ClinVar aggregate classification (germline): Uncertain significance (1 of 4 stars; one submission).

Submission:

Ambry Genetics
Classification: Uncertain significance. Last evaluated: 2023-02-25. Review status: criteria provided, single submitter. Criteria: Ambry Variant Classification Scheme 2023. Collection method: clinical testing. Allele origin: germline.
Comment: The p.S265N variant (also known as c.794G>A), located in coding exon 6 of the RINT1 gene, results from a G to A substitution at nucleotide position 794. The serine at codon 265 is replaced by asparagine, an amino acid with highly similar properties. This amino acid position is conserved. In addition, this alteration is predicted to be tolerated by in silico analysis. Since supporting evidence is limited at this time, the clinical significance of this alteration remains unclear.